The following is an entry in ClinVar:

ClinVar aggregate classification (germline): Uncertain significance (1 of 4 stars; one submission).

Submission:

Ambry Genetics
Classification: Uncertain significance. Last evaluated: 2025-05-08. Review status: criteria provided, single submitter. Criteria: Ambry Variant Classification Scheme 2023. Collection method: clinical testing. Allele origin: germline.
Comment: The p.D394G variant (also known as c.1181A>G), located in coding exon 11 of the A2ML1 gene, results from an A to G substitution at nucleotide position 1181. The aspartic acid at codon 394 is replaced by glycine, an amino acid with similar properties. This amino acid position is conserved. In addition, this alteration is predicted to be tolerated by in silico analysis. Based on the available evidence, the clinical significance of this variant remains unclear.

NM_144670.6(A2ML1):c.1181A>G (p.Asp394Gly)

Gene: A2ML1 (alpha-2-macroglobulin like 1; plus strand). Cytogenetic location: 12p13.31.
Variant type: single nucleotide variant.
Coding change: c.1181A>G on transcript NM_144670.6 (MANE Select); coding-DNA position 1181, A replaced by G.
Protein change: p.Asp394Gly; replaces aspartic acid 394 with glycine.
Molecular consequence: missense variant.
Genome position (GRCh38, 1-based): chr12:8,841,469, A>G. VCF-style: chr12-8841469-A-G. GRCh37 (hg19) VCF-style: chr12-8994065-A-G.
Other names: short protein forms D394G.
Identifiers: ClinVar variation 4054876 (VCV004054876.1).